The following is an entry in ClinVar:

ClinVar aggregate classification (germline): Uncertain significance (1 of 4 stars; one submission).

gnomAD v4.1: 3 of 1,611,916 alleles (0.00019%); highest among the groups gnomAD compares: Non-Finnish European, 0.00017%; no homozygotes.

Submission:

GeneDx
Classification: Uncertain significance. Last evaluated: 2025-06-05. Review status: criteria provided, single submitter. Criteria: GeneDx Variant Classification Process June 2021. Collection method: clinical testing. Allele origin: germline. Affected: yes.
Comment: In silico analysis suggests that this missense variant does not alter protein structure/function; Has not been previously published as pathogenic or benign to our knowledge

NM_001363711.2(DUOX2):c.173A>C (p.Gln58Pro)

Gene: DUOX2 (dual oxidase 2; minus strand). Cytogenetic location: 15q21.1.
Variant type: single nucleotide variant.
Coding change: c.173A>C on transcript NM_001363711.2 (MANE Select); coding-DNA position 173, A replaced by C.
Protein change: p.Gln58Pro; replaces glutamine 58 with proline.
Molecular consequence: missense variant.
Genome position (GRCh38, 1-based): chr15:45,112,706, T>G on the plus strand (A>C on the coding strand, the complement: DUOX2 is on the minus strand). VCF-style: chr15-45112706-T-G. GRCh37 (hg19) VCF-style: chr15-45404904-T-G.
Other names: c.173A>C, p.Gln58Pro (NM_014080.5); short protein forms Q58P.
Identifiers: ClinVar variation 4536491 (VCV004536491.1).